The following is an entry in ClinVar:

ClinVar aggregate classification (germline): Conflicting classifications of pathogenicity. Review status: criteria provided, conflicting classifications (1 of 4 stars). 2 submissions from 2 submitters: Uncertain significance (1); Likely benign (1). Last evaluated 2026-01-08.

Conditions:
Cardiovascular phenotype. Identifiers: MedGen CN230736.
Dilated cardiomyopathy 1J (CMD1J). Also called: CARDIOMYOPATHY, DILATED, WITH SENSORINEURAL HEARING LOSS, AUTOSOMAL DOMINANT. Identifiers: Orphanet 217622, MedGen C1854368, MONDO:0011541, OMIM 605362.

Allele frequency attached by ClinVar (database versions not stated): gnomAD 0.00001; TOPMed 0.00002.
gnomAD v4.1: 3 of 1,612,932 alleles (0.00019%); highest among the groups gnomAD compares: African/African-American, 0.0027%; no homozygotes.

Submissions (2):

Ambry Genetics
Classification: Likely benign for Cardiovascular phenotype. Last evaluated: 2026-01-08. Review status: criteria provided, single submitter. Criteria: Ambry Variant Classification Scheme 2023. Collection method: clinical testing. Allele origin: germline.

Labcorp Genetics (formerly Invitae), Labcorp
Classification: Uncertain significance for Dilated cardiomyopathy 1J. Last evaluated: 2024-02-24. Review status: criteria provided, single submitter. Criteria: Invitae Variant Classification Sherloc (09022015). Collection method: clinical testing. Allele origin: germline.
Comment: This sequence change replaces proline, which is neutral and non-polar, with serine, which is neutral and polar, at codon 317 of the EYA4 protein (p.Pro317Ser). This variant is not present in population databases (gnomAD no frequency). This variant has not been reported in the literature in individuals affected with EYA4-related conditions. ClinVar contains an entry for this variant (Variation ID: 1502779). An algorithm developed to predict the effect of missense changes on protein structure and function (PolyPhen-2) suggests that this variant is likely to be tolerated. In summary, the available evidence is currently insufficient to determine the role of this variant in disease. Therefore, it has been classified as a Variant of Uncertain Significance.

NM_004100.5(EYA4):c.949C>T (p.Pro317Ser)

Gene: EYA4 (EYA transcriptional coactivator and phosphatase 4; plus strand). Cytogenetic location: 6q23.2.
Variant type: single nucleotide variant.
Coding change: c.949C>T on transcript NM_004100.5 (MANE Select); coding-DNA position 949, C replaced by T.
Protein change: p.Pro317Ser; replaces proline 317 with serine.
Molecular consequence: missense variant.
Genome position (GRCh38, 1-based): chr6:133,468,710, C>T. VCF-style: chr6-133468710-C-T. GRCh37 (hg19) VCF-style: chr6-133789848-C-T.
Other names: c.949C>T (NM_004100.4); c.787C>T, p.Pro263Ser (NM_001301012.2, NM_001370459.1); c.949C>T, p.Pro317Ser (NM_001301013.2, NM_172105.4); c.880C>T, p.Pro294Ser (NM_001370458.1, NM_172103.4); short protein forms P317S, P263S, P294S.
Identifiers: ClinVar variation 1502779 (VCV001502779.10), dbSNP rs1554263071, ClinGen allele CA365703893.
Genomic context (GRCh38, chr6:133,468,710, plus strand): 5'-AATAACACAGCCGATGGCACACCCTCTTCAACCTCTACTTATCAGTTGCAGGAATCTCTC[C>T]CAGGACTGACTAACCAACCAGGTACAGATCTTCACCCAGGTGAAATACTTTTATATGTTT-3'
Protein context (NP_004091.3, residues 307-327): TSTYQLQESL[Pro317Ser]GLTNQPGEFD